The following is an entry in ClinVar:

NM_014804.3(KIAA0753):c.622A>G (p.Lys208Glu)

Gene: KIAA0753 (KIAA0753; minus strand). Cytogenetic location: 17p13.1.
Variant type: single nucleotide variant.
Coding change: c.622A>G on transcript NM_014804.3 (MANE Select); coding-DNA position 622, A replaced by G.
Protein change: p.Lys208Glu; replaces lysine 208 with glutamic acid.
Molecular consequence: missense variant. On other transcripts: 5 prime UTR variant (1), non-coding transcript variant (3).
Genome position (GRCh38, 1-based): chr17:6,628,213, T>C on the plus strand (A>G on the coding strand, the complement: KIAA0753 is on the minus strand). VCF-style: chr17-6628213-T-C. GRCh37 (hg19) VCF-style: chr17-6531533-T-C.
Other names: c.-613A>G (NM_001351225.2); c.622A>G (NM_014804.2); short protein forms K208E.
Identifiers: ClinVar variation 1624361 (VCV001624361.12), dbSNP rs200246752, ClinGen allele CA8330738.

ClinVar aggregate classification (germline): Likely benign. Review status: criteria provided, multiple submitters, no conflicts (2 of 4 stars). 4 submissions from 4 submitters: Likely benign (3). 1 of the submissions does not count toward it. Last evaluated 2025-11-29.

Conditions:
KIAA0753-related disorder.
Inborn genetic diseases. Identifiers: MedGen C0950123, MeSH D030342.

Allele frequency attached by ClinVar (database versions not stated): gnomAD 0.00013 and 0.00014; TOPMed 0.00019; gnomAD exomes 0.00021 and 0.00036; ESP Exome Variant Server 0.00025; ExAC 0.00026.
gnomAD v4.1: 357 of 1,614,128 alleles (0.022%); highest among the groups gnomAD compares: Middle Eastern, 0.082%; 1 homozygote.

Submissions (4):

Labcorp Genetics (formerly Invitae), Labcorp
Classification: Likely benign. Last evaluated: 2025-11-29. Review status: criteria provided, single submitter. Criteria: Invitae Variant Classification Sherloc (09022015). Collection method: clinical testing. Allele origin: germline.

Ambry Genetics
Classification: Likely benign for Inborn genetic diseases. Last evaluated: 2021-10-01. Review status: criteria provided, single submitter. Criteria: Ambry Variant Classification Scheme 2023. Collection method: clinical testing. Allele origin: germline.

Breakthrough Genomics
Classification: Likely benign. Review status: criteria provided, single submitter. Criteria: ACMG Guidelines, 2015. Collection method: not provided. Allele origin: germline. Inheritance: Autosomal recessive inheritance. Affected: yes.

PreventionGenetics, part of Exact Sciences
Classification: Likely benign for KIAA0753-related condition. Last evaluated: 2021-02-10. Review status: no assertion criteria provided. Collection method: clinical testing. Allele origin: germline. Not counted in ClinVar's aggregate classification.
Comment: This variant is classified as likely benign based on ACMG/AMP sequence variant interpretation guidelines (Richards et al. 2015 PMID: 25741868, with internal and published modifications).